The following is an entry in ClinVar:

NM_001363711.2(DUOX2):c.2654G>T (p.Arg885Leu)

Gene: DUOX2 (dual oxidase 2; minus strand). Cytogenetic location: 15q21.1.
Variant type: single nucleotide variant.
Coding change: c.2654G>T on transcript NM_001363711.2 (MANE Select); coding-DNA position 2654, G replaced by T.
Protein change: p.Arg885Leu; replaces arginine 885 with leucine.
Molecular consequence: missense variant.
Genome position (GRCh38, 1-based): chr15:45,103,960, C>A on the plus strand (G>T on the coding strand, the complement: DUOX2 is on the minus strand). VCF-style: chr15-45103960-C-A. GRCh37 (hg19) VCF-style: chr15-45396158-C-A.
Other names: c.2654G>T, p.Arg885Leu (NM_014080.5); short protein forms R885L.
Identifiers: ClinVar variation 617815 (VCV000617815.30), dbSNP rs181461079, ClinGen allele CA7538196.

ClinVar aggregate classification (germline): Conflicting classifications of pathogenicity. Review status: criteria provided, conflicting classifications (1 of 4 stars). 15 submissions from 15 submitters: Pathogenic (6); Likely pathogenic (5); Uncertain significance (2). 2 of the submissions do not count toward it. Last evaluated 2026-01-08.

Conditions:
Familial thyroid dyshormonogenesis. Identifiers: Orphanet 95716, MedGen C4273748, MONDO:0010132.
Thyroid dyshormonogenesis 6 (TDH6). Also called: THYROID HORMONOGENESIS, GENETIC DEFECT IN, 6; Genetic transient congenital hypothyroidism; HYPOTHYROIDISM, CONGENITAL, DUE TO DYSHORMONOGENESIS, 6. Identifiers: Orphanet 226316, Orphanet 95716, MedGen C1846632, MONDO:0011792, OMIM 607200.
Nongoitrous Euthyroid Hyperthyrotropinemia.
DUOX2-related disorder. Also called: DUOX2-related condition.
Congenital hypothyroidism. Identifiers: Orphanet 442, MedGen C0010308, MONDO:0018612, HP:0000851.
DUOX2-related disorders.

Allele frequency attached by ClinVar (database versions not stated): TOPMed 0.00053; 1000 Genomes Project 30x 0.00078; 1000 Genomes Project 0.00080.
gnomAD v4.1: 166 of 1,614,062 alleles (0.01%); highest among the groups gnomAD compares: East Asian, 0.29%; no homozygotes.

Submissions 1 to 10 of 16:

Labcorp Genetics (formerly Invitae), Labcorp
Classification: Uncertain significance. Last evaluated: 2026-01-08. Review status: criteria provided, single submitter. Criteria: Invitae Variant Classification Sherloc (09022015). Collection method: clinical testing. Allele origin: germline.
Comment: This sequence change replaces arginine, which is basic and polar, with leucine, which is neutral and non-polar, at codon 885 of the DUOX2 protein (p.Arg885Leu). This variant is present in population databases (rs181461079, gnomAD 0.6%). This missense change has been observed in individual(s) with congenital hypothyroidism and thyroid dyshormonogenesis (PMID: 21900383, 27498126, 28541007, 29650690, 30512158, 32319661, 32425884, 33310921, 34276565). It has also been observed to segregate with disease in related individuals. ClinVar contains an entry for this variant (Variation ID: 617815). An algorithm developed to predict the effect of missense changes on protein structure and function (PolyPhen-2) suggests that this variant is likely to be tolerated. Experimental studies have shown that this missense change affects DUOX2 function (PMID: 34564849). Algorithms developed to predict the effect of sequence changes on RNA splicing suggest that this variant may disrupt the consensus splice site. In summary, the available evidence is currently insufficient to determine the role of this variant in disease. Therefore, it has been classified as a Variant of Uncertain Significance.

Genesolutions, Medical Genetics Institutes, Ho Chi Minh City, Vietnam
Classification: Pathogenic for Thyroid dyshormonogenesis 6. Last evaluated: 2025-09-24. Review status: criteria provided, single submitter. Criteria: ACMG Guidelines, 2015. Collection method: clinical testing. Allele origin: germline. Affected: yes.

Cambridge Genomics Laboratory, East Genomic Laboratory Hub, NHS Genomic Medicine Service
Classification: Uncertain significance for Congenital hypothyroidism. Last evaluated: 2025-04-03. Review status: criteria provided, single submitter. Criteria: ACGS Best Practice Guidelines for Variant Classification in Rare Disease 2020. Collection method: clinical testing. Allele origin: germline. Affected: yes.
Comment: PM3_Strong,PP3

3billion
Classification: Pathogenic for Thyroid dyshormonogenesis 6. Last evaluated: 2024-12-05. Review status: criteria provided, single submitter. Criteria: ACMG Guidelines, 2015. Collection method: clinical testing. Allele origin: germline. Affected: yes.
Comment: The variant is observed at an extremely low frequency in the gnomAD v4.1.0 dataset (total allele frequency: 0.010%). Predicted Consequence/Location: Missense variant. The majority of the known disease-causing variants of this gene are variants expected to result in premature termination of the protein. In silico tool predictions suggest damaging effect of the variant on gene or gene product [3Cnet: 0.71 (>=0.6, sensitivity 0.72 and precision 0.9)]. The same nucleotide change resulting in the same amino acid change has been previously reported as pathogenic/likely pathogenic with strong evidence (ClinVar ID: VCV000617815 /PMID: 27498126 /3billion dataset). The variant has been reported to be in trans with a pathogenic variant as either compound heterozygous or homozygous in at least one similarly affected unrelated individual (PMID: 27498126). A different missense change at the same codon (p.Arg885Gln) has been reported as pathogenic/likely pathogenic with strong evidence (ClinVar ID: VCV001458737 /PMID: 18765513). Therefore, this variant is classified as Pathogenic according to the recommendation of ACMG/AMP guideline.

Blueprint Genetics
Classification: Pathogenic for DUOX2-related disorders. Last evaluated: 2024-10-30. Review status: criteria provided, single submitter. Criteria: ACMG Guidelines, 2015. Collection method: clinical testing. Allele origin: germline. Affected: yes. Observed: 5 variant alleles.

Fulgent Genetics
Classification: Pathogenic for Thyroid dyshormonogenesis 6. Last evaluated: 2024-03-11. Review status: criteria provided, single submitter. Criteria: ACMG Guidelines, 2015. Collection method: clinical testing. Allele origin: germline.

Revvity Omics, Revvity
Classification: Likely pathogenic for Thyroid dyshormonogenesis 6. Last evaluated: 2023-06-23. Review status: criteria provided, single submitter. Criteria: ACMG Guidelines, 2015. Collection method: clinical testing. Allele origin: germline.

Department of Pathology and Laboratory Medicine, Sinai Health System
Classification: Likely pathogenic for Familial thyroid dyshormonogenesis; Thyroid dyshormonogenesis 6. Last evaluated: 2022-09-26. Review status: criteria provided, single submitter. Criteria: ACMG Guidelines, 2015. Collection method: research. Allele origin: germline.

Genetics and Molecular Pathology, SA Pathology
Classification: Likely pathogenic for Thyroid dyshormonogenesis 6. Last evaluated: 2022-09-19. Review status: criteria provided, single submitter. Criteria: ACMG Guidelines, 2015. Collection method: clinical testing. Allele origin: germline. Inheritance: Autosomal recessive inheritance. Affected: yes.
Comment: The DUOX2 c.2654G>T variant is classified as Likely Pathogenic (PP3, PM3_Strong, PM5) The DUOX2 c.2654G>T variant is located in the last nucleotide of exon 20/34 of the DUOX2 gene. The variant is predicted to change the amino acid arginine at position 885 in the protein to leucine. Splice-site predictors propose that the c.2654G>T variant results in the loss of a donor splice site (PP3). This variant has been detected in trans with a pathogenic variant in patients with congenital hypothyroidism (PMID:27498126, 32319661, 32319661) (PM3_strong). This variant is a missense change at an amino acid residue where a different missense change has been seen before (c.2654G>A; p.R885Q) (PM5). The variant has been reported in dbSNP (rs181461079) and in the HGMD database (CM1611549). It has been reported as 'Conflicting interpretations of pathogenicity' by other diagnostic laboratories (ClinVar Variation ID: 617815). The variant has been reported in many patients with congenital hypothyroidism (PMID:28541007, 27498126, 29650690, 32425884, 32319661).

Genetic Services Laboratory, University of Chicago
Classification: Likely pathogenic. Last evaluated: 2020-09-01. Review status: criteria provided, single submitter. Criteria: ACMG Guidelines, 2015. Collection method: clinical testing. Allele origin: germline. Affected: yes.
Comment: DNA sequence analysis of the DUOX2 gene demonstrated two sequence changes. The first sequence change, c.2654G>T in exon 20, results in an amino acid change, p.Arg885Leu. This sequence change has been described in the gnomAD database with a population frequency of 0.041% (dbSNP rs181461079). The p.Arg885Leu change affects a highly conserved amino acid residue located in a domain of the DUOX2 protein that is known to be functional. The p.Arg885Leu substitution appears to be deleterious using several in-silico pathogenicity prediction tools (SIFT, PolyPhen2, Align GVGD). This particular amino acid change has been reported in the compound heterozygous state with a second DUOX2 pathogenic variant in multiple individuals with congenital hypothyroidism (PMIDs: 27498126, 30512158, 30894704, 28541007). The c.2654G>T (p.Arg885Leu) sequence change has also been reported in the compound heterozygous state with the c.3329G>A (p.Arg1110Gln) sequence change in one individual with congenital hypothyroidism (PMID: 27498126). Furthermore, a different amino acid change at this same position (p.Arg885Gln) has been reported in multiple individuals with congenital hypothyroidism (PMIDs: 30154845, 30022773, 25248169). Collectively, these evidences indicate that c. 2654G>T (p.Arg885Leu) sequence change is likely pathogenic.